The following is an entry in ClinVar:

NM_000492.4(CFTR):c.2558T>C (p.Ile853Thr)

Gene: CFTR (CF transmembrane conductance regulator; plus strand). Cytogenetic location: 7q31.2.
Variant type: single nucleotide variant.
Coding change: c.2558T>C on transcript NM_000492.4 (MANE Select); coding-DNA position 2558, T replaced by C.
Protein change: p.Ile853Thr; replaces isoleucine 853 with threonine.
Molecular consequence: missense variant.
Genome position (GRCh38, 1-based): chr7:117,594,997, T>C. VCF-style: chr7-117594997-T-C. GRCh37 (hg19) VCF-style: chr7-117235051-T-C.
Other names: short protein forms I853T.
Identifiers: ClinVar variation 4280024 (VCV004280024.1).

ClinVar aggregate classification (germline): Likely pathogenic (1 of 4 stars; one submission).

Conditions:
Cystic fibrosis (CF). Also called: MUCOVISCIDOSIS. Identifiers: Orphanet 586, MedGen C0010674, MONDO:0009061, OMIM 219700. Disease mechanism: loss of function.

Submission:

Johns Hopkins Genomics, Johns Hopkins University
Classification: Likely pathogenic for Cystic fibrosis. Last evaluated: 2024-03-01. Review status: criteria provided, single submitter. Criteria: ACMG Guidelines, 2015. Collection method: clinical testing. Allele origin: germline.
Comment: This CFTR missense variant is absent from a large population dataset and has not been reported in ClinVar nor the literature, to our knowledge. BayPR, an algorithm developed and validated by the CFTR2 project that uses population data to assign disease liability to variants, predicts that this variant is likely to be CF-causing (>97% probability of being CF-causing). Of three bioinformatics tools queried, two predict that the substitution would be damaging, while one predicts that it would be tolerated. The isoleucine residue at this position is not highly evolutionarily conserved across the species assessed. We consider CFTR c.2558T>C to be likely pathogenic.